The following is an entry in ClinVar:

NM_002335.4(LRP5):c.2581A>T (p.Thr861Ser)

Gene: LRP5 (LDL receptor related protein 5; plus strand). Cytogenetic location: 11q13.2.
Variant type: single nucleotide variant.
Coding change: c.2581A>T on transcript NM_002335.4 (MANE Select); coding-DNA position 2581, A replaced by T.
Protein change: p.Thr861Ser; replaces threonine 861 with serine.
Molecular consequence: missense variant.
Genome position (GRCh38, 1-based): chr11:68,413,766, A>T. VCF-style: chr11-68413766-A-T. GRCh37 (hg19) VCF-style: chr11-68181234-A-T.
Other names: c.838A>T, p.Thr280Ser (NM_001291902.2); short protein forms T280S, T861S.
Identifiers: ClinVar variation 930787 (VCV000930787.3), dbSNP rs2098660901, ClinGen allele CA381618383.
Genomic context (GRCh38, chr11:68,413,766, plus strand): 5'-ATTGCCGACGATCTCCCGCACCCGTTCGGTCTGACGCAGTACAGCGATTATATCTACTGG[A>T]CAGACTGGAATCTGCACAGCATTGAGCGGGCCGACAAGACTAGCGGCCGGAACCGCACCC-3'
Protein context (NP_002326.2, residues 851-871): LTQYSDYIYW[Thr861Ser]DWNLHSIERA

ClinVar aggregate classification (germline): Uncertain significance (1 of 4 stars; one submission).

Conditions:
Exudative vitreoretinopathy 4 (EVR4). Identifiers: Orphanet 891, MedGen C1866176, MONDO:0011151, OMIM 601813.

Submission:

Centre for Mendelian Genomics, University Medical Centre Ljubljana
Classification: Uncertain significance for Exudative vitreoretinopathy 4. Last evaluated: 2019-11-13. Review status: criteria provided, single submitter. Criteria: ACMG Guidelines, 2015. Collection method: clinical testing. Allele origin: unknown. Affected: yes.
Comment: This variant was classified as: Uncertain significance. The available evidence on this variant's pathogenicity is insufficient or conflicting. The following ACMG criteria were applied in classifying this variant: PM2,PP3.